The following is an entry in ClinVar:

NM_007294.4(BRCA1):c.5110T>G (p.Phe1704Val)

Gene: BRCA1 (BRCA1 DNA repair associated; minus strand). Cytogenetic location: 17q21.31.
Variant type: single nucleotide variant.
Coding change: c.5110T>G on transcript NM_007294.4 (MANE Select); coding-DNA position 5110, T replaced by G.
Protein change: p.Phe1704Val; replaces phenylalanine 1704 with valine.
Molecular consequence: missense variant. On other transcripts: non-coding transcript variant (1).
Genome position (GRCh38, 1-based): chr17:43,063,916, A>C on the plus strand (T>G on the coding strand, the complement: BRCA1 is on the minus strand). VCF-style: chr17-43063916-A-C. GRCh37 (hg19) VCF-style: chr17-41215933-A-C.
Other names: c.4897T>G, p.Phe1633Val (NM_001407571.1, NM_001407894.1, NM_001407895.1 and 12 more transcripts); c.5176T>G, p.Phe1726Val (NM_001407581.1, NM_001407582.1); c.5173T>G, p.Phe1725Val (NM_001407583.1, NM_001407585.1, NM_001407587.1 and 1 more transcripts); c.5170T>G, p.Phe1724Val (NM_001407590.1, NM_001407591.1); c.5110T>G, p.Phe1704Val (NM_001407593.1, NM_001407594.1, NM_001407596.1 and 7 more transcripts); c.5107T>G, p.Phe1703Val (NM_001407617.1, NM_001407618.1, NM_001407619.1 and 17 more transcripts); c.5104T>G, p.Phe1702Val (NM_001407636.1, NM_001407637.1, NM_001407638.1 and 14 more transcripts); c.5101T>G, p.Phe1701Val (NM_001407644.1, NM_001407645.1); and 71 more; short protein forms F1657V, F1725V, F1704V, F600V, F1591V, F1592V, F1614V, F1635V.
Identifiers: ClinVar variation 864964 (VCV000864964.3), dbSNP rs1555578599, ClinGen allele CA10591309.
Genomic context (GRCh38, chr17:43,063,916, plus strand): 5'-AAATAGTATTATACTTACAGAAATAGCTAACTACCCATTTTCCTCCCGCAATTCCTAGAA[A>C]ATATTTCAGTGTCCGTTCACACACAAACTCAGCATCTGCAGAATGAAAAACACTCAAAGG-3'
Protein context (NP_009225.1, residues 1694-1714): EFVCERTLKY[Phe1704Val]LGIAGGKWVV

Conditions:
Breast-ovarian cancer, familial, susceptibility to, 1 (BROVCA1). Also called: BRCA1 Hereditary Breast and Ovarian Cancer; OVARIAN CANCER, SUSCEPTIBILITY TO. Identifiers: Orphanet 145, MedGen C2676676, MONDO:0011450, OMIM 604370. Disease mechanism: loss of function.

Submission:

Brotman Baty Institute, University of Washington
No classification provided (evidence only). Condition: Breast-ovarian cancer, familial 1. Review status: no classification provided. Collection method: in vitro. Allele origin: not applicable. Functional consequence: functionally_abnormal.
ClinVar note: "not provided" was previously submitted as the classification for the variant. However, the classification appeared to be based only on an observation of functional data so it was converted to no classification on 2025-07-30.